The following is an entry in ClinVar:

ClinVar aggregate classification (germline): Uncertain significance. Review status: criteria provided, multiple submitters, no conflicts (2 of 4 stars). 2 submissions from 2 submitters: Uncertain significance (2). Last evaluated 2024-09-20.

Conditions:
Charcot-Marie-Tooth disease type 2. Also called: Charcot-Marie-Tooth type 2. Identifiers: Orphanet 64746, MedGen C0270914, MONDO:0018993.
Inborn genetic diseases. Identifiers: MedGen C0950123, MeSH D030342.

gnomAD v4.1: 5 of 1,612,298 alleles (0.00031%); highest among the groups gnomAD compares: Non-Finnish European, 0.00042%; no homozygotes.

Submissions (2):

Ambry Genetics
Classification: Uncertain significance for Inborn genetic diseases. Last evaluated: 2024-09-20. Review status: criteria provided, single submitter. Criteria: Ambry Variant Classification Scheme 2023. Collection method: clinical testing. Allele origin: germline.

Labcorp Genetics (formerly Invitae), Labcorp
Classification: Uncertain significance for Charcot-Marie-Tooth disease type 2. Last evaluated: 2021-08-31. Review status: criteria provided, single submitter. Criteria: Invitae Variant Classification Sherloc (09022015). Collection method: clinical testing. Allele origin: germline.
Comment: This sequence change replaces proline with threonine at codon 676 of the MED25 protein (p.Pro676Thr). The proline residue is moderately conserved and there is a small physicochemical difference between proline and threonine. This variant is not present in population databases (ExAC no frequency). This variant has not been reported in the literature in individuals affected with MED25-related conditions. Algorithms developed to predict the effect of missense changes on protein structure and function are either unavailable or do not agree on the potential impact of this missense change (SIFT: "Tolerated"; PolyPhen-2: "Probably Damaging"; Align-GVGD: "Class C0"). In summary, the available evidence is currently insufficient to determine the role of this variant in disease. Therefore, it has been classified as a Variant of Uncertain Significance.

NM_030973.4(MED25):c.2026C>A (p.Pro676Thr)

Gene: MED25 (mediator complex subunit 25; plus strand). Cytogenetic location: 19q13.33.
Variant type: single nucleotide variant.
Coding change: c.2026C>A on transcript NM_030973.4 (MANE Select); coding-DNA position 2026, C replaced by A.
Protein change: p.Pro676Thr; replaces proline 676 with threonine.
Molecular consequence: missense variant.
Genome position (GRCh38, 1-based): chr19:49,836,286, C>A. VCF-style: chr19-49836286-C-A. GRCh37 (hg19) VCF-style: chr19-50339543-C-A.
Other names: c.2026C>A, p.Pro676Thr (NM_001378355.1); short protein forms P676T.
Identifiers: ClinVar variation 577236 (VCV000577236.7), dbSNP rs1263091655, ClinGen allele CA406921443.